The following is an entry in ClinVar:

NM_000288.4(PEX7):c.62_63insA (p.Ala22fs)

Gene: PEX7 (peroxisomal biogenesis factor 7; plus strand). Cytogenetic location: 6q23.3.
Variant type: Insertion.
Coding change: c.62_63insA on transcript NM_000288.4 (MANE Select); coding-DNA positions 62 to 63, A inserted.
Protein change: p.Ala22fs; shifts the reading frame from alanine 22.
Molecular consequence: frameshift variant.
Genome position: GRCh38 VCF-style: chr6-136822727-C-CA. GRCh37 (hg19) VCF-style: chr6-137143865-C-CA.
Other names: short protein forms A22fs.
Identifiers: ClinVar variation 5011287 (VCV005011287.1).

ClinVar aggregate classification (germline): Pathogenic (1 of 4 stars; one submission).

Conditions:
Peroxisome biogenesis disorder. Identifiers: Orphanet 79189, MedGen C1832200, MONDO:0019234. Disease mechanism: loss of function.

Submission:

Myriad Genetics, Inc.
Classification: Pathogenic for Peroxisome biogenesis disorder. Last evaluated: 2023-08-09. Review status: criteria provided, single submitter. Criteria: Myriad Autosomal Dominant, Autosomal Recessive and X-Linked Classification Criteria (2023). Collection method: clinical testing. Allele origin: unknown.
Comment: NM_000288.3(PEX7):c.62_63insA(A22Rfs*34) is expected to be pathogenic in the context of PEX7-related disorders. This variant is predicted to lead to an abnormal or absent protein product due to the creation of a premature termination codon in PEX7, a gene where loss-of-function variants are known to be pathogenic. Please note: this variant was assessed in the context of healthy population screening.